The following is an entry in ClinVar:

ClinVar aggregate classification (germline): Conflicting classifications of pathogenicity. Review status: criteria provided, conflicting classifications (1 of 4 stars). 4 submissions from 4 submitters: Uncertain significance (3); Likely benign (1). Last evaluated 2025-12-12.

Conditions:
Hereditary cancer-predisposing syndrome. Also called: Hereditary neoplastic syndrome; Neoplastic Syndromes, Hereditary; Tumor predisposition; Hereditary Cancer Syndrome. Identifiers: Orphanet 140162, MedGen C0027672, MeSH D009386, MONDO:0015356.
Neuroblastoma, susceptibility to, 3. Also called: ALK-Related Neuroblastic Tumor Susceptibility. Identifiers: Orphanet 635, MedGen C2751681, MONDO:0013083, OMIM 613014.

Allele frequency attached by ClinVar (database versions not stated): gnomAD 0.00001; gnomAD exomes 0.00002 and 0.00009; TOPMed 0.00002.
gnomAD v4.1: 134 of 1,614,118 alleles (0.0083%); highest among the groups gnomAD compares: Non-Finnish European, 0.011%; no homozygotes.

Submissions (4):

Labcorp Genetics (formerly Invitae), Labcorp
Classification: Uncertain significance for Neuroblastoma, susceptibility to, 3. Last evaluated: 2025-12-12. Review status: criteria provided, single submitter. Criteria: Invitae Variant Classification Sherloc (09022015). Collection method: clinical testing. Allele origin: germline.
Comment: This sequence change replaces lysine, which is basic and polar, with asparagine, which is neutral and polar, at codon 575 of the ALK protein (p.Lys575Asn). This variant is present in population databases (no rsID available, gnomAD 0.004%). This variant has not been reported in the literature in individuals affected with ALK-related conditions. ClinVar contains an entry for this variant (Variation ID: 470771). An algorithm developed to predict the effect of missense changes on protein structure and function (PolyPhen-2) suggests that this variant is likely to be disruptive. In summary, the available evidence is currently insufficient to determine the role of this variant in disease. Therefore, it has been classified as a Variant of Uncertain Significance.

Ambry Genetics
Classification: Likely benign for Hereditary cancer-predisposing syndrome. Last evaluated: 2025-03-27. Review status: criteria provided, single submitter. Criteria: Ambry Variant Classification Scheme 2023. Collection method: clinical testing. Allele origin: germline.

GeneDx
Classification: Uncertain significance. Last evaluated: 2025-02-11. Review status: criteria provided, single submitter. Criteria: GeneDx Variant Classification Process June 2021. Collection method: clinical testing. Allele origin: germline. Affected: yes.
Comment: Not observed at significant frequency in large population cohorts (gnomAD); In silico analysis indicates that this missense variant does not alter protein structure/function; Has not been previously published as pathogenic or benign to our knowledge

Baylor Genetics
Classification: Uncertain significance for Neuroblastoma, susceptibility to, 3. Last evaluated: 2024-02-22. Review status: criteria provided, single submitter. Criteria: ACMG Guidelines, 2015. Collection method: clinical testing. Allele origin: unknown.

NM_004304.5(ALK):c.1725G>C (p.Lys575Asn)

Gene: ALK (ALK receptor tyrosine kinase; minus strand). Cytogenetic location: 2p23.2.
Variant type: single nucleotide variant.
Coding change: c.1725G>C on transcript NM_004304.5 (MANE Select); coding-DNA position 1725, G replaced by C.
Protein change: p.Lys575Asn; replaces lysine 575 with asparagine.
Molecular consequence: missense variant.
Genome position (GRCh38, 1-based): chr2:29,296,980, C>G on the plus strand (G>C on the coding strand, the complement: ALK is on the minus strand). VCF-style: chr2-29296980-C-G. GRCh37 (hg19) VCF-style: chr2-29519846-C-G.
Other names: short protein forms K575N.
Identifiers: ClinVar variation 470771 (VCV000470771.18), dbSNP rs1010580453, ClinGen allele CA44643058.